The following is an entry in ClinVar:

NM_001198934.2(ABCC10):c.2379G>A (p.Ala793=)

Gene: ABCC10 (ATP binding cassette subfamily C member 10; plus strand). Cytogenetic location: 6p21.1.
Variant type: single nucleotide variant.
Coding change: c.2379G>A on transcript NM_001198934.2 (MANE Select); coding-DNA position 2379, G replaced by A.
Protein change: p.Ala793=; no amino-acid change (alanine 793 retained).
Molecular consequence: synonymous variant. On other transcripts: non-coding transcript variant (1).
Genome position (GRCh38, 1-based): chr6:43,443,122, G>A. VCF-style: chr6-43443122-G-A. GRCh37 (hg19) VCF-style: chr6-43410860-G-A.
Other names: c.1047G>A, p.Ala349= (NM_001350518.2); c.2295G>A, p.Ala765= (NM_033450.3).
Identifiers: ClinVar variation 2656599 (VCV002656599.24), dbSNP rs201247634, ClinGen allele CA3823047.
Genomic context (GRCh38, chr6:43,443,122, plus strand): 5'-GAGCTACACCACACGGCTGCTCTGCACCCACCGCACTGAGTACCTGGAGAGGGCTGACGC[G>A]GTGCTGCTGATGGAGGCCGGGCGCCTCATCCGGGCTGGTAATGGGGGCAGGAGCCCCGTG-3'
Protein context (NP_001185863.1, residues 783-803): HRTEYLERAD[Ala793=]VLLMEAGRLI

ClinVar aggregate classification (germline): Likely benign (1 of 4 stars; one submission).

Allele frequency attached by ClinVar (database versions not stated): gnomAD 0.00003; TOPMed 0.00003; gnomAD exomes 0.00007.
gnomAD v4.1: 106 of 1,608,804 alleles (0.0066%); highest among the groups gnomAD compares: Middle Eastern, 0.13%; no homozygotes.

Submission:

CeGaT Center for Human Genetics Tuebingen
Classification: Likely benign. Last evaluated: 2022-10-01. Review status: criteria provided, single submitter. Criteria: CeGaT Center For Human Genetics Tuebingen Variant Classification Criteria Version 2. Collection method: clinical testing. Allele origin: germline. Affected: yes. Observed: 1 variant allele.
Comment: ABCC10: BP4, BP7